The following is an entry in ClinVar:

NM_152564.5(VPS13B):c.8449G>A (p.Val2817Met)

Gene: VPS13B (vacuolar protein sorting 13 homolog B; plus strand). Cytogenetic location: 8q22.2.
Variant type: single nucleotide variant.
Coding change: c.8449G>A on transcript NM_152564.5 (MANE Select); coding-DNA position 8449, G replaced by A.
Protein change: p.Val2817Met; replaces valine 2817 with methionine.
Molecular consequence: missense variant.
Genome position (GRCh38, 1-based): chr8:99,818,716, G>A. VCF-style: chr8-99818716-G-A. GRCh37 (hg19) VCF-style: chr8-100830944-G-A.
Other names: c.8524G>A, p.Val2842Met (NM_017890.5); short protein forms V2817M, V2842M.
Identifiers: ClinVar variation 588077 (VCV000588077.12), dbSNP rs1362379578, ClinGen allele CA371774032.
Genomic context (GRCh38, chr8:99,818,716, plus strand): 5'-GCTGGAATACTGCAACAAAGCAAATATGAAAGTTGTTCTATCCTTTTATTTTTATAGATT[G>A]TGTTCAGCCCTCTTTTTATCATGAGGAGTCATCTTCCAGACCCCATTATCATACATTTGG-3'
Protein context (NP_689777.3, residues 2807-2827): PNSQVQQRMI[Val2817Met]FSPLFIMRSH

ClinVar aggregate classification (germline): Uncertain significance. Review status: criteria provided, multiple submitters, no conflicts (2 of 4 stars). 3 submissions from 3 submitters: Uncertain significance (2). 1 of the submissions does not count toward it. Last evaluated 2026-03-12.

Conditions:
Inborn genetic diseases. Identifiers: MedGen C0950123, MeSH D030342.
Cohen syndrome (COH1). Also called: Cutis verticis gyrata, retinitis pigmentosa, and sensorineural deafness; PEPPER SYNDROME. Identifiers: Orphanet 193, MedGen C0265223, MONDO:0008999, OMIM 216550.

Allele frequency attached by ClinVar (database versions not stated): gnomAD 0.00001; TOPMed 0.00001.
gnomAD v4.1: 1 of 1,613,578 alleles (0.000062%); highest among the groups gnomAD compares: South Asian, 0.0011%; no homozygotes.

Submissions (3):

Ambry Genetics
Classification: Uncertain significance for Inborn genetic diseases. Last evaluated: 2026-03-12. Review status: criteria provided, single submitter. Criteria: Ambry Variant Classification Scheme 2023. Collection method: clinical testing. Allele origin: germline.

Labcorp Genetics (formerly Invitae), Labcorp
Classification: Uncertain significance for Cohen syndrome. Last evaluated: 2022-02-05. Review status: criteria provided, single submitter. Criteria: Invitae Variant Classification Sherloc (09022015). Collection method: clinical testing. Allele origin: germline.
Comment: This sequence change replaces valine, which is neutral and non-polar, with methionine, which is neutral and non-polar, at codon 2842 of the VPS13B protein (p.Val2842Met). This variant is present in population databases (no rsID available, gnomAD 0.003%). This variant has not been reported in the literature in individuals affected with VPS13B-related conditions. ClinVar contains an entry for this variant (Variation ID: 588077). Algorithms developed to predict the effect of missense changes on protein structure and function are either unavailable or do not agree on the potential impact of this missense change (SIFT: "Not Available"; PolyPhen-2: "Possibly Damaging"; Align-GVGD: "Not Available"). In summary, the available evidence is currently insufficient to determine the role of this variant in disease. Therefore, it has been classified as a Variant of Uncertain Significance.

Natera, Inc.
Classification: Uncertain significance for Cohen syndrome. Last evaluated: 2021-03-01. Review status: no assertion criteria provided. Collection method: clinical testing. Allele origin: germline. Not counted in ClinVar's aggregate classification.